The following is an entry in ClinVar:

NM_001848.3(COL6A1):c.1056+1del

Gene: COL6A1 (collagen type VI alpha 1 chain; plus strand). Cytogenetic location: 21q22.3.
Variant type: Deletion.
Coding change: c.1056+1del on transcript NM_001848.3 (MANE Select); the canonical splice donor site of the intron after coding-DNA position 1056, one base deleted (G; older notation c.1056+1delG).
Molecular consequence: splice donor variant.
Genome position (GRCh38, 1-based): chr21:45,990,827, G deleted. VCF-style (leftmost placement, unchanged base first): chr21-45990826-CG-C. GRCh37 (hg19) VCF-style: chr21-47410740-CG-C.
Identifiers: ClinVar variation 499871 (VCV000499871.10), dbSNP rs1556425853, ClinGen allele CA658799470.

ClinVar aggregate classification (germline): Pathogenic/Likely pathogenic. Review status: criteria provided, multiple submitters, no conflicts (2 of 4 stars). 3 submissions from 3 submitters: Pathogenic (2); Likely pathogenic (1). Last evaluated 2025-02-26.

Conditions:
Bethlem myopathy 1A. Also called: MYOPATHY, BENIGN CONGENITAL, WITH CONTRACTURES; Bethlem myopathy 1; Bethlem Muscular Dystrophy. Identifiers: Orphanet 610, MedGen CN029274, MONDO:0024530, OMIM 158810.

Submissions (3):

Labcorp Genetics (formerly Invitae), Labcorp
Classification: Pathogenic for Bethlem myopathy 1A. Last evaluated: 2025-02-26. Review status: criteria provided, single submitter. Criteria: Invitae Variant Classification Sherloc (09022015). Collection method: clinical testing. Allele origin: germline.
Comment: This sequence change affects a splice site in intron 14 of the COL6A1 gene. It is expected to disrupt RNA splicing. Variants that disrupt the donor or acceptor splice site typically lead to a loss of protein function (PMID: 16199547), and loss-of-function variants in COL6A1 are known to be disease-causing for autosomal recessive COL6A1-related conditions (PMID: 21280092, 20976770). However, certain variants affecting donor or acceptor splice sites in the triple helical domain of COL6A1 are expected to result in in-frame exon skipping and have been reported to cause autosomal dominant COL6A1-related conditions (PMID: 18366090). This variant is not present in population databases (gnomAD no frequency). Disruption of this splice site has been observed in individuals with autosomal dominant COL6A1-related conditions (PMID: 21520333, 25635128). ClinVar contains an entry for this variant (Variation ID: 499871). Algorithms developed to predict the effect of sequence changes on RNA splicing suggest that this variant may disrupt the consensus splice site. For these reasons, this variant has been classified as Pathogenic.

Institute of Human Genetics Munich, TUM University Hospital
Classification: Likely pathogenic for Bethlem myopathy 1A. Last evaluated: 2021-03-17. Review status: criteria provided, single submitter. Criteria: Classification criteria August 2017. Collection method: clinical testing. Allele origin: maternal. Inheritance: Autosomal dominant inheritance. Affected: yes. Observed: 1 variant allele.

Eurofins Ntd Llc (ga)
Classification: Pathogenic. Last evaluated: 2017-01-13. Review status: criteria provided, single submitter. Criteria: EGL Classification Definitions 2015. Collection method: clinical testing. Allele origin: germline. Observed: 1 variant allele, 1 heterozygote.

Literature cited by the submitters: PubMed 16199547 (cited by Labcorp Genetics (formerly Invitae), Labcorp); PubMed 21280092 (cited by Labcorp Genetics (formerly Invitae), Labcorp); PubMed 20976770 (cited by Labcorp Genetics (formerly Invitae), Labcorp); PubMed 18366090 (cited by Labcorp Genetics (formerly Invitae), Labcorp); PubMed 21520333 (cited by Labcorp Genetics (formerly Invitae), Labcorp); PubMed 25635128 (cited by Labcorp Genetics (formerly Invitae), Labcorp).